The following is an entry in ClinVar:

ClinVar aggregate classification (germline): Benign/Likely benign. Review status: criteria provided, multiple submitters, no conflicts (2 of 4 stars). 3 submissions from 3 submitters: Benign (1); Likely benign (2). Last evaluated 2026-01-03.

Allele frequency attached by ClinVar (database versions not stated): ExAC 0.00035; gnomAD 0.00050; TOPMed 0.00051; ESP Exome Variant Server 0.00066; gnomAD exomes 0.00067.
gnomAD v4.1: 777 of 1,210,471 alleles (0.064%); highest among the groups gnomAD compares: Non-Finnish European, 0.082%; no homozygotes.

Submissions (3):

Labcorp Genetics (formerly Invitae), Labcorp
Classification: Benign. Last evaluated: 2026-01-03. Review status: criteria provided, single submitter. Criteria: Invitae Variant Classification Sherloc (09022015). Collection method: clinical testing. Allele origin: germline.

Blueprint Genetics
Classification: Likely benign. Last evaluated: 2024-11-13. Review status: criteria provided, single submitter. Criteria: ACMG Guidelines, 2015. Collection method: clinical testing. Allele origin: germline.

CeGaT Center for Human Genetics Tuebingen
Classification: Likely benign. Last evaluated: 2023-09-01. Review status: criteria provided, single submitter. Criteria: CeGaT Center For Human Genetics Tuebingen Variant Classification Criteria Version 2. Collection method: clinical testing. Allele origin: germline. Affected: yes. Observed: 5 variant alleles.
Comment: NONO: BP4, BP7, BS2

NM_007363.5(NONO):c.447C>T (p.Ser149=)

Gene: NONO (non-POU domain containing octamer binding; plus strand). Cytogenetic location: Xq13.1.
Variant type: single nucleotide variant.
Coding change: c.447C>T on transcript NM_007363.5 (MANE Select); coding-DNA position 447, C replaced by T.
Protein change: p.Ser149=; no amino-acid change (serine 149 retained).
Molecular consequence: synonymous variant.
Genome position (GRCh38, 1-based): chrX:71,294,325, C>T. VCF-style: chrX-71294325-C-T. GRCh37 (hg19) VCF-style: chrX-70514175-C-T.
Other names: c.447C>T, p.Ser149= (NM_001145408.2, NM_001145409.2); c.180C>T, p.Ser60= (NM_001145410.2).
Identifiers: ClinVar variation 2172826 (VCV002172826.29), dbSNP rs151206751, ClinGen allele CA10446076.